The following is an entry in ClinVar:

NM_000245.4(MET):c.679A>G (p.Met227Val)

Gene: MET (MET proto-oncogene, receptor tyrosine kinase; plus strand). Cytogenetic location: 7q31.2.
Variant type: single nucleotide variant.
Coding change: c.679A>G on transcript NM_000245.4 (MANE Select); coding-DNA position 679, A replaced by G.
Protein change: p.Met227Val; replaces methionine 227 with valine.
Molecular consequence: missense variant. On other transcripts: intron variant (1).
Genome position (GRCh38, 1-based): chr7:116,699,763, A>G. VCF-style: chr7-116699763-A-G. GRCh37 (hg19) VCF-style: chr7-116339817-A-G.
Other names: c.679A>G, p.Met227Val (NM_001127500.3, NM_001324401.3); c.-91+27186A>G (NM_001324402.2); short protein forms M227V.
Identifiers: ClinVar variation 2706397 (VCV002706397.3), dbSNP rs2116595177, ClinGen allele CA368969605.

ClinVar aggregate classification (germline): Uncertain significance (1 of 4 stars; one submission).

Conditions:
Renal cell carcinoma. Identifiers: Orphanet 217071, MedGen C0007134, MeSH D002292, MONDO:0005086, HP:0005584.

Submission:

Labcorp Genetics (formerly Invitae), Labcorp
Classification: Uncertain significance for Renal cell carcinoma. Last evaluated: 2024-04-10. Review status: criteria provided, single submitter. Criteria: Invitae Variant Classification Sherloc (09022015). Collection method: clinical testing. Allele origin: germline.
Comment: This sequence change replaces methionine, which is neutral and non-polar, with valine, which is neutral and non-polar, at codon 227 of the MET protein (p.Met227Val). This variant is not present in population databases (gnomAD no frequency). This variant has not been reported in the literature in individuals affected with MET-related conditions. An algorithm developed to predict the effect of missense changes on protein structure and function (PolyPhen-2) suggests that this variant is likely to be tolerated. In summary, the available evidence is currently insufficient to determine the role of this variant in disease. Therefore, it has been classified as a Variant of Uncertain Significance.